The following is an entry in ClinVar:

ClinVar aggregate classification (germline): Uncertain significance (1 of 4 stars; one submission).

Conditions:
Duchenne muscular dystrophy (DMD). Also called: MUSCULAR DYSTROPHY, PSEUDOHYPERTROPHIC PROGRESSIVE, DUCHENNE TYPE; Duchenne Muscular Dystrophy (DMD). Identifiers: Orphanet 98896, MedGen C0013264, MONDO:0010679, OMIM 310200.

Allele frequency attached by ClinVar (database versions not stated): gnomAD exomes below 0.00001.
gnomAD v4.1: 2 of 1,211,561 alleles (0.00017%); highest among the groups gnomAD compares: Non-Finnish European, 0.00022%; no homozygotes.

Submission:

Labcorp Genetics (formerly Invitae), Labcorp
Classification: Uncertain significance for Duchenne muscular dystrophy. Last evaluated: 2023-06-05. Review status: criteria provided, single submitter. Criteria: Invitae Variant Classification Sherloc (09022015). Collection method: clinical testing. Allele origin: germline.
Comment: Advanced modeling of protein sequence and biophysical properties (such as structural, functional, and spatial information, amino acid conservation, physicochemical variation, residue mobility, and thermodynamic stability) performed at Invitae indicates that this missense variant is not expected to disrupt DMD protein function. This variant has not been reported in the literature in individuals affected with DMD-related conditions. This variant is not present in population databases (gnomAD no frequency). This sequence change replaces methionine, which is neutral and non-polar, with isoleucine, which is neutral and non-polar, at codon 2578 of the DMD protein (p.Met2578Ile). In summary, the available evidence is currently insufficient to determine the role of this variant in disease. Therefore, it has been classified as a Variant of Uncertain Significance.

NM_004006.3(DMD):c.7734G>A (p.Met2578Ile)

Gene: DMD (dystrophin; minus strand). Cytogenetic location: Xp21.1.
Variant type: single nucleotide variant.
Coding change: c.7734G>A on transcript NM_004006.3 (MANE Select); coding-DNA position 7734, G replaced by A.
Protein change: p.Met2578Ile; replaces methionine 2578 with isoleucine.
Molecular consequence: missense variant.
Genome position (GRCh38, 1-based): chrX:31,679,513, C>T on the plus strand (G>A on the coding strand, the complement: DMD is on the minus strand). VCF-style: chrX-31679513-C-T. GRCh37 (hg19) VCF-style: chrX-31697630-C-T.
Other names: c.7710G>A, p.Met2570Ile (NM_000109.4); c.7722G>A, p.Met2574Ile (NM_004009.3); c.7365G>A, p.Met2455Ile (NM_004010.3); c.3711G>A, p.Met1237Ile (NM_004011.4); c.3702G>A, p.Met1234Ile (NM_004012.4); c.354G>A, p.Met118Ile (NM_004013.3, NM_004020.4, NM_004021.3 and 2 more transcripts); short protein forms M1237I, M118I, M2455I, M1234I, M2570I, M2574I, M2578I.
Identifiers: ClinVar variation 2919466 (VCV002919466.2), dbSNP rs2529178575, ClinGen allele CA412656854.
Genomic context (GRCh38, chrX:31,679,513, plus strand): 5'-CTGTCCTAAGACCTGCTCAGCTTCTTCCTTAGCTTCCAGCCATTGTGTTGAATCCTTTAA[C>T]ATTTCATTCAACTGTTGCCTCCGGTTCTGAAGGTGTTCTTGTACTTCATCCCACTGATTC-3'
Protein context (NP_003997.2, residues 2568-2588): LQNRRQQLNE[Met2578Ile]LKDSTQWLEA